The following is an entry in ClinVar:

ClinVar aggregate classification (germline): Conflicting classifications of pathogenicity. Review status: criteria provided, conflicting classifications (1 of 4 stars). 4 submissions from 4 submitters: Likely pathogenic (2); Uncertain significance (1). 1 of the submissions does not count toward it. Last evaluated 2024-03-30.

Conditions:
Fanconi anemia (FA). Also called: Fanconi's anemia. Identifiers: Orphanet 84, MedGen C0015625, MeSH D005199, MONDO:0019391.
Fanconi anemia complementation group A (FANCA). Also called: FANCA-Related Fanconi Anemia; Fanconi anemia, group A. Identifiers: Orphanet 84, MedGen C3469521, MONDO:0009215, OMIM 227650.

Allele frequency attached by ClinVar (database versions not stated): gnomAD exomes below 0.00001.
gnomAD v4.1: 2 of 1,614,276 alleles (0.00012%); highest among the groups gnomAD compares: African/African-American, 0.0013%; no homozygotes.

Submissions (4):

Baylor Genetics
Classification: Likely pathogenic for Fanconi anemia complementation group A. Last evaluated: 2024-03-30. Review status: criteria provided, single submitter. Criteria: ACMG Guidelines, 2015. Collection method: clinical testing. Allele origin: unknown.

Quest Diagnostics Nichols Institute San Juan Capistrano
Classification: Uncertain significance. Last evaluated: 2023-12-19. Review status: criteria provided, single submitter. Criteria: Quest Diagnostics criteria. Collection method: clinical testing. Allele origin: unknown.
Comment: The FANCA c.4260+1G>A variant disrupts a canonical splice-donor site and is predicted to interfere with normal FANCA mRNA splicing. This variant has not been reported in individuals with FANCA-related conditions in the published literature. This variant has not been reported in large, multi-ethnic general populations (Genome Aggregation Database). Based on the available information, we are unable to determine the clinical significance of this variant.

Labcorp Genetics (formerly Invitae), Labcorp
Classification: Likely pathogenic for Fanconi anemia. Last evaluated: 2023-09-29. Review status: criteria provided, single submitter. Criteria: Invitae Variant Classification Sherloc (09022015). Collection method: clinical testing. Allele origin: germline.
Comment: This sequence change affects a donor splice site in intron 42 of the FANCA gene. It is expected to disrupt RNA splicing. Variants that disrupt the donor or acceptor splice site typically lead to a loss of protein function (PMID: 16199547), and loss-of-function variants in FANCA are known to be pathogenic (PMID: 19367192). This variant is not present in population databases (gnomAD no frequency). This variant has not been reported in the literature in individuals affected with FANCA-related conditions. ClinVar contains an entry for this variant (Variation ID: 408210). Algorithms developed to predict the effect of sequence changes on RNA splicing suggest that this variant may disrupt the consensus splice site. In summary, the currently available evidence indicates that the variant is pathogenic, but additional data are needed to prove that conclusively. Therefore, this variant has been classified as Likely Pathogenic.

Counsyl
Classification: Likely pathogenic for Fanconi anemia complementation group A. Last evaluated: 2018-01-24. Review status: no assertion criteria provided. Collection method: clinical testing. Allele origin: unknown. Not counted in ClinVar's aggregate classification.

Literature cited by the submitters: PubMed 16199547 (cited by Labcorp Genetics (formerly Invitae), Labcorp); PubMed 19367192 (cited by Labcorp Genetics (formerly Invitae), Labcorp).

NM_000135.4(FANCA):c.4260+1G>A

Genes: ZNF276 (zinc finger protein 276; plus strand), FANCA (FA complementation group A; minus strand). Cytogenetic location: 16q24.3.
Variant type: single nucleotide variant.
Coding change: c.4260+1G>A on transcript NM_000135.4 (MANE Select); the canonical splice donor site of the intron after coding-DNA position 4260, G replaced by A.
Molecular consequence: splice donor variant. On other transcripts: 3 prime UTR variant (2), non-coding transcript variant (4).
Genome position (GRCh38, 1-based): chr16:89,738,881, C>T on the plus strand (G>A on the coding strand, the complement: FANCA is on the minus strand). VCF-style: chr16-89738881-C-T. GRCh37 (hg19) VCF-style: chr16-89805289-C-T.
Other names: c.*635C>T (NM_001113525.2, NM_152287.4); c.4264+1G>A (NM_001286167.3); c.4260+1G>A (NM_000135.3).
Identifiers: ClinVar variation 408210 (VCV000408210.12), dbSNP rs1060501887, ClinGen allele CA16615435.